The following is an entry in ClinVar:

ClinVar aggregate classification (germline): Conflicting classifications of pathogenicity. Review status: criteria provided, conflicting classifications (1 of 4 stars). 2 submissions from 2 submitters: Uncertain significance (1); Likely benign (1). Last evaluated 2025-10-08.

Conditions:
Candidiasis, familial, 6 (CANDF6). Also called: Candidiasis, familial, 6, autosomal dominant. Identifiers: Orphanet 1334, MedGen C3151405, MONDO:0013503, OMIM 613956.

Allele frequency attached by ClinVar (database versions not stated): 1000 Genomes Project 30x 0.00016; 1000 Genomes Project 0.00020; gnomAD exomes 0.00021; ExAC 0.00029; ESP Exome Variant Server 0.00038; gnomAD 0.00042 and 0.00046; TOPMed 0.00043.
gnomAD v4.1: 213 of 1,613,278 alleles (0.013%); highest among the groups gnomAD compares: African/African-American, 0.14%; 1 homozygote.

Submissions (2):

Labcorp Genetics (formerly Invitae), Labcorp
Classification: Uncertain significance for Candidiasis, familial, 6. Last evaluated: 2025-10-08. Review status: criteria provided, single submitter. Criteria: Invitae Variant Classification Sherloc (09022015). Collection method: clinical testing. Allele origin: germline.
Comment: This sequence change replaces serine, which is neutral and polar, with leucine, which is neutral and non-polar, at codon 18 of the IL17F protein (p.Ser18Leu). This variant is present in population databases (rs145598353, gnomAD 0.1%), and has an allele count higher than expected for a pathogenic variant. This variant has not been reported in the literature in individuals affected with IL17F-related conditions. ClinVar contains an entry for this variant (Variation ID: 582871). An algorithm developed to predict the effect of missense changes on protein structure and function outputs the following: PolyPhen-2: "Benign". The leucine amino acid residue is found in multiple mammalian species, which suggests that this missense change does not adversely affect protein function. In summary, the available evidence is currently insufficient to determine the role of this variant in disease. Therefore, it has been classified as a Variant of Uncertain Significance.

Ambry Genetics
Classification: Likely benign. Last evaluated: 2023-06-06. Review status: criteria provided, single submitter. Criteria: Ambry Variant Classification Scheme 2023. Collection method: clinical testing. Allele origin: germline.

NM_052872.4(IL17F):c.53C>T (p.Ser18Leu)

Gene: IL17F (interleukin 17F; minus strand). Cytogenetic location: 6p12.2.
Variant type: single nucleotide variant.
Coding change: c.53C>T on transcript NM_052872.4 (MANE Select); coding-DNA position 53, C replaced by T.
Protein change: p.Ser18Leu; replaces serine 18 with leucine.
Molecular consequence: missense variant.
Genome position (GRCh38, 1-based): chr6:52,238,931, G>A on the plus strand (C>T on the coding strand, the complement: IL17F is on the minus strand). VCF-style: chr6-52238931-G-A. GRCh37 (hg19) VCF-style: chr6-52103729-G-A.
Other names: short protein forms S18L.
Identifiers: ClinVar variation 582871 (VCV000582871.10), dbSNP rs145598353, ClinGen allele CA3854458.